The following is an entry in ClinVar:

ClinVar aggregate classification (germline): Uncertain significance. Review status: criteria provided, multiple submitters, no conflicts (2 of 4 stars). 2 submissions from 2 submitters: Uncertain significance (2). Last evaluated 2025-07-28.

Conditions:
RASopathy. Also called: Noonan spectrum disorder; rasopathies. Identifiers: Orphanet 536391, MedGen C5555857, MONDO:0021060.

gnomAD v4.1: 1 of 1,613,166 alleles (0.000062%); highest among the groups gnomAD compares: African/African-American, 0.0013%; no homozygotes.

Submissions (2):

Labcorp Genetics (formerly Invitae), Labcorp
Classification: Uncertain significance for RASopathy. Last evaluated: 2025-07-28. Review status: criteria provided, single submitter. Criteria: Invitae Variant Classification Sherloc (09022015). Collection method: clinical testing. Allele origin: germline.
Comment: This sequence change replaces arginine, which is basic and polar, with glycine, which is neutral and non-polar, at codon 497 of the SOS1 protein (p.Arg497Gly). This variant is not present in population databases (gnomAD no frequency). This variant has not been reported in the literature in individuals affected with SOS1-related conditions. ClinVar contains an entry for this variant (Variation ID: 3380798). Invitae Evidence Modeling of protein sequence and biophysical properties (such as structural, functional, and spatial information, amino acid conservation, physicochemical variation, residue mobility, and thermodynamic stability) indicates that this missense variant is expected to disrupt SOS1 protein function with a positive predictive value of 95%. In summary, the available evidence is currently insufficient to determine the role of this variant in disease. Therefore, it has been classified as a Variant of Uncertain Significance.

Mayo Clinic Laboratories, Mayo Clinic
Classification: Uncertain significance. Last evaluated: 2024-08-14. Review status: criteria provided, single submitter. Criteria: ACMG Guidelines, 2015. Collection method: clinical testing. Allele origin: germline. Observed: 2 variant alleles.
Comment: PP2, PP3, PM1, PM2

NM_005633.4(SOS1):c.1489C>G (p.Arg497Gly)

Gene: SOS1 (SOS Ras/Rac guanine nucleotide exchange factor 1; minus strand). Cytogenetic location: 2p22.1.
Variant type: single nucleotide variant.
Coding change: c.1489C>G on transcript NM_005633.4 (MANE Select); coding-DNA position 1489, C replaced by G.
Protein change: p.Arg497Gly; replaces arginine 497 with glycine.
Molecular consequence: missense variant.
Genome position (GRCh38, 1-based): chr2:39,022,939, G>C on the plus strand (C>G on the coding strand, the complement: SOS1 is on the minus strand). VCF-style: chr2-39022939-G-C. GRCh37 (hg19) VCF-style: chr2-39250080-G-C.
Other names: p.Arg497Gly; c.1468C>G, p.Arg490Gly (NM_001382394.1); c.1489C>G, p.Arg497Gly (NM_001382395.1); short protein forms R490G, R497G.
Identifiers: ClinVar variation 3380798 (VCV003380798.2).